The following is an entry in ClinVar:

ClinVar aggregate classification (germline): Uncertain significance. Review status: criteria provided, multiple submitters, no conflicts (2 of 4 stars). 3 submissions from 3 submitters: Uncertain significance (3). Last evaluated 2024-07-01.

Allele frequency attached by ClinVar (database versions not stated): gnomAD 0.00001 and 0.00002; TOPMed 0.00003; 1000 Genomes Project 30x 0.00016; 1000 Genomes Project 0.00020.
gnomAD v4.1: 19 of 1,612,988 alleles (0.0012%); highest among the groups gnomAD compares: Middle Eastern, 0.017%; no homozygotes.

Submissions (3):

Labcorp Genetics (formerly Invitae), Labcorp
Classification: Uncertain significance. Last evaluated: 2024-07-01. Review status: criteria provided, single submitter. Criteria: Invitae Variant Classification Sherloc (09022015). Collection method: clinical testing. Allele origin: germline.
Comment: This sequence change replaces proline, which is neutral and non-polar, with leucine, which is neutral and non-polar, at codon 904 of the AP3D1 protein (p.Pro904Leu). This variant is present in population databases (rs535799229, gnomAD 0.007%). This variant has not been reported in the literature in individuals affected with AP3D1-related conditions. ClinVar contains an entry for this variant (Variation ID: 1449820). Algorithms developed to predict the effect of missense changes on protein structure and function output the following: SIFT: "Not Available"; PolyPhen-2: "Benign"; Align-GVGD: "Not Available". The leucine amino acid residue is found in multiple mammalian species, which suggests that this missense change does not adversely affect protein function. In summary, the available evidence is currently insufficient to determine the role of this variant in disease. Therefore, it has been classified as a Variant of Uncertain Significance.

Mayo Clinic Laboratories, Mayo Clinic
Classification: Uncertain significance. Last evaluated: 2024-05-21. Review status: criteria provided, single submitter. Criteria: ACMG Guidelines, 2015. Collection method: clinical testing. Allele origin: germline. Observed: 1 variant allele.
Comment: BP4, PM2_moderate

Women's Health and Genetics/Laboratory Corporation of America, LabCorp
Classification: Uncertain significance. Last evaluated: 2022-05-04. Review status: criteria provided, single submitter. Criteria: LabCorp Variant Classification Summary - May 2015. Collection method: clinical testing. Allele origin: germline.
Comment: Variant summary: AP3D1 c.2711C>T (p.Pro904Leu) results in a non-conservative amino acid change in the encoded protein sequence. Three of four in-silico tools predict a benign effect of the variant on protein function. The variant allele was found at a frequency of 2.8e-05 in 246926 control chromosomes (gnomAD). The available data on variant occurrences in the general population are insufficient to allow any conclusion about variant significance. To our knowledge, no occurrence of c.2711C>T in individuals affected with Hermansky-Pudlak Syndrome and no experimental evidence demonstrating its impact on protein function have been reported. One clinical diagnostic laboratory has submitted clinical-significance assessments for this variant to ClinVar after 2014 without evidence for independent evaluation and classified the variant as uncertain significance. Based on the evidence outlined above, the variant was classified as uncertain significance.

NM_001261826.3(AP3D1):c.2711C>T (p.Pro904Leu)

Gene: AP3D1 (adaptor related protein complex 3 subunit delta 1; minus strand). Cytogenetic location: 19p13.3.
Variant type: single nucleotide variant.
Coding change: c.2711C>T on transcript NM_001261826.3 (MANE Select); coding-DNA position 2711, C replaced by T.
Protein change: p.Pro904Leu; replaces proline 904 with leucine.
Molecular consequence: missense variant. On other transcripts: intron variant (2).
Genome position (GRCh38, 1-based): chr19:2,112,936, G>A on the plus strand (C>T on the coding strand, the complement: AP3D1 is on the minus strand). VCF-style: chr19-2112936-G-A. GRCh37 (hg19) VCF-style: chr19-2112935-G-A.
Other names: p.Pro904Leu; c.2602-1108C>T (NM_003938.8); c.2680-5C>T (NM_001374799.1); short protein forms P904L.
Identifiers: ClinVar variation 1449820 (VCV001449820.8), dbSNP rs535799229, ClinGen allele CA9058757.
Genomic context (GRCh38, chr19:2,112,936, plus strand): 5'-CCCTCGGCATCGTCCTCCTCGCCCTGCGCCTCCGTCTTGGCGTCCTCACACTCGTCCTTC[G>A]GGGTAGTGACAGTGTTCACACTGAGCTCCCCCTGCAGGGAGCCAGGGCTTGGGGCTCATG-3'
Protein context (NP_001248755.1, residues 894-914): GELSVNTVTT[Pro904Leu]KDECEDAKTE